The following is an entry in ClinVar:

NM_018089.3(ANKZF1):c.1053A>C (p.Glu351Asp)

Gene: ANKZF1 (ankyrin repeat and zinc finger peptidyl tRNA hydrolase 1; plus strand). Cytogenetic location: 2q35.
Variant type: single nucleotide variant.
Coding change: c.1053A>C on transcript NM_018089.3 (MANE Select); coding-DNA position 1053, A replaced by C.
Protein change: p.Glu351Asp; replaces glutamic acid 351 with aspartic acid.
Molecular consequence: missense variant.
Genome position (GRCh38, 1-based): chr2:219,234,137, A>C. VCF-style: chr2-219234137-A-C. GRCh37 (hg19) VCF-style: chr2-220098859-A-C.
Other names: c.1053A>C (NM_018089.2); c.1053A>C, p.Glu351Asp (NM_001042410.2); c.423A>C, p.Glu141Asp (NM_001282792.2); short protein forms E141D, E351D.
Identifiers: ClinVar variation 1043458 (VCV001043458.9), dbSNP rs150725143, ClinGen allele CA2120953.

ClinVar aggregate classification (germline): Uncertain significance. Review status: criteria provided, multiple submitters, no conflicts (2 of 4 stars). 3 submissions from 3 submitters: Uncertain significance (3). Last evaluated 2026-02-01.

Conditions:
ANKZF1-related disorder. Also called: ANKZF1-related condition.

Allele frequency attached by ClinVar (database versions not stated): ExAC 0.00044; gnomAD exomes 0.00051; ESP Exome Variant Server 0.00075; gnomAD 0.00090 and 0.00091; TOPMed 0.00096; 1000 Genomes Project 0.00140; 1000 Genomes Project 30x 0.00141.
gnomAD v4.1: 1,203 of 1,608,274 alleles (0.075%); highest among the groups gnomAD compares: Middle Eastern, 0.13%; no homozygotes.

Submissions (3):

Labcorp Genetics (formerly Invitae), Labcorp
Classification: Uncertain significance. Last evaluated: 2026-02-01. Review status: criteria provided, single submitter. Criteria: Invitae Variant Classification Sherloc (09022015). Collection method: clinical testing. Allele origin: germline.
Comment: This sequence change replaces glutamic acid, which is acidic and polar, with aspartic acid, which is acidic and polar, at codon 351 of the ANKZF1 protein (p.Glu351Asp). This variant is present in population databases (rs150725143, gnomAD 0.1%), and has an allele count higher than expected for a pathogenic variant. This variant has not been reported in the literature in individuals affected with ANKZF1-related conditions. ClinVar contains an entry for this variant (Variation ID: 1043458). An algorithm developed to predict the effect of missense changes on protein structure and function outputs the following: PolyPhen-2: "Benign". The aspartic acid amino acid residue is found in multiple mammalian species, which suggests that this missense change does not adversely affect protein function. In summary, the available evidence is currently insufficient to determine the role of this variant in disease. Therefore, it has been classified as a Variant of Uncertain Significance.

PreventionGenetics, part of Exact Sciences
Classification: Uncertain significance for ANKZF1-related condition. Last evaluated: 2025-03-17. Review status: criteria provided, single submitter. Criteria: ACMG Guidelines, 2015. Collection method: clinical testing. Allele origin: germline.
Comment: The ANKZF1 c.1053A>C variant is predicted to result in the amino acid substitution p.Glu351Asp. To our knowledge, this variant has not been reported in the literature. This variant is reported in 0.12% of alleles in individuals of African descent in gnomAD. At this time, the clinical significance of this variant is uncertain due to the absence of conclusive functional and genetic evidence.

Breakthrough Genomics
Classification: Uncertain significance. Review status: criteria provided, single submitter. Criteria: ACMG Guidelines, 2015. Collection method: not provided. Allele origin: germline. Inheritance: Unknown mechanism. Affected: yes.